The following is an entry in ClinVar:

NM_001161352.2(KCNMA1):c.13GGC[9] (p.Gly10_Ser11insGlyGlyGly)

Gene: KCNMA1 (potassium calcium-activated channel subfamily M alpha 1; minus strand). Cytogenetic location: 10q22.3.
Variant type: Microsatellite.
Coding change: c.13GGC[9] on transcript NM_001161352.2 (MANE Select); nine copies in a row of the 3-base unit GGC starting at c.13; the reference has six copies in a row; three copies, 9 bases duplicated.
Protein change: p.Gly10_Ser11insGlyGlyGly.
Molecular consequence: inframe insertion.
Genome position (GRCh38, 1-based): chr10:77,637,613-77,637,621, GCCGCCGCC duplicated on the plus strand (GGCGGCGGC on the coding strand, the reverse complement: KCNMA1 is on the minus strand); duplicating any 9 consecutive bases within chr10:77,637,613-77,637,630 gives the same sequence; the position shown is the placement nearest the transcript's 3' end. VCF-style (leftmost placement, unchanged base first): chr10-77637612-T-TGCCGCCGCC. GRCh37 (hg19) VCF-style: chr10-79397370-T-TGCCGCCGCC.
Other names: c.13GGC[9], p.Gly10_Ser11insGlyGlyGly (NM_001014797.3, NM_001161353.2, NM_001271518.2 and 13 more transcripts).
Identifiers: ClinVar variation 3014078 (VCV003014078.3), dbSNP rs750804948, ClinGen allele CA930199336.

ClinVar aggregate classification (germline): Uncertain significance (1 of 4 stars; one submission).

Conditions:
Generalized epilepsy-paroxysmal dyskinesia syndrome (PNKD3). Also called: Generalized epilepsy and paroxysmal dyskinesia; Paroxysmal nonkinesigenic dyskinesia, 3, with or without generalized epilepsy. Identifiers: Orphanet 79137, MedGen C5574945, MONDO:0012276, OMIM 609446.

Submission:

Labcorp Genetics (formerly Invitae), Labcorp
Classification: Uncertain significance for Generalized epilepsy-paroxysmal dyskinesia syndrome. Last evaluated: 2024-01-15. Review status: criteria provided, single submitter. Criteria: Invitae Variant Classification Sherloc (09022015). Collection method: clinical testing. Allele origin: germline.
Comment: This variant, c.22_30dup, results in the insertion of 3 amino acid(s) of the KCNMA1 protein (p.Gly8_Gly10dup), but otherwise preserves the integrity of the reading frame. This variant is not present in population databases (gnomAD no frequency). This variant has not been reported in the literature in individuals affected with KCNMA1-related conditions. In summary, the available evidence is currently insufficient to determine the role of this variant in disease. Therefore, it has been classified as a Variant of Uncertain Significance.